The following is an entry in ClinVar:

ClinVar aggregate classification (germline): Uncertain significance (1 of 4 stars; one submission).

Conditions:
Hereditary cancer-predisposing syndrome. Also called: Tumor predisposition; Hereditary neoplastic syndrome; Neoplastic Syndromes, Hereditary; Hereditary Cancer Syndrome. Identifiers: Orphanet 140162, MedGen C0027672, MeSH D009386, MONDO:0015356.

Allele frequency attached by ClinVar (database versions not stated): gnomAD exomes below 0.00001; ExAC 0.00001; gnomAD 0.00001; 1000 Genomes Project 30x 0.00016; 1000 Genomes Project 0.00020.
gnomAD v4.1: 2 of 1,613,746 alleles (0.00012%); highest among the groups gnomAD compares: South Asian, 0.0022%; no homozygotes.

Submission:

Labcorp Genetics (formerly Invitae), Labcorp
Classification: Uncertain significance for Hereditary cancer-predisposing syndrome. Last evaluated: 2021-12-29. Review status: criteria provided, single submitter. Criteria: Invitae Variant Classification Sherloc (09022015). Collection method: clinical testing. Allele origin: germline.
Comment: In summary, the available evidence is currently insufficient to determine the role of this variant in disease. Therefore, it has been classified as a Variant of Uncertain Significance. Algorithms developed to predict the effect of missense changes on protein structure and function are either unavailable or do not agree on the potential impact of this missense change (SIFT: "Tolerated"; PolyPhen-2: "Possibly Damaging"; Align-GVGD: "Class C0"). This variant has not been reported in the literature in individuals affected with RAD50-related conditions. This variant is present in population databases (rs566176121, gnomAD 0.003%). This sequence change replaces methionine, which is neutral and non-polar, with threonine, which is neutral and polar, at codon 540 of the RAD50 protein (p.Met540Thr).

NM_005732.4(RAD50):c.1619T>C (p.Met540Thr)

Gene: RAD50 (RAD50 double strand break repair protein; plus strand). Cytogenetic location: 5q31.1.
Variant type: single nucleotide variant.
Coding change: c.1619T>C on transcript NM_005732.4 (MANE Select); coding-DNA position 1619, T replaced by C.
Protein change: p.Met540Thr; replaces methionine 540 with threonine.
Molecular consequence: missense variant.
Genome position (GRCh38, 1-based): chr5:132,591,390, T>C. VCF-style: chr5-132591390-T-C. GRCh37 (hg19) VCF-style: chr5-131927082-T-C.
Other names: short protein forms M540T.
Identifiers: ClinVar variation 2201181 (VCV002201181.4), dbSNP rs566176121, ClinGen allele CA3405206.